The following is an entry in ClinVar:

NM_025150.5(TARS2):c.2140G>A (p.Ala714Thr)

Gene: TARS2 (threonyl-tRNA synthetase 2, mitochondrial; plus strand). Cytogenetic location: 1q21.2.
Variant type: single nucleotide variant.
Coding change: c.2140G>A on transcript NM_025150.5 (MANE Select); coding-DNA position 2140, G replaced by A.
Protein change: p.Ala714Thr; replaces alanine 714 with threonine.
Molecular consequence: missense variant. On other transcripts: non-coding transcript variant (2).
Genome position (GRCh38, 1-based): chr1:150,507,047, G>A. VCF-style: chr1-150507047-G-A. GRCh37 (hg19) VCF-style: chr1-150479523-G-A.
Other names: p.Ala714Thr; TARS2, ALA714THR (rs1064797120); c.1894G>A, p.Ala632Thr (NM_001271895.2); c.1750G>A, p.Ala584Thr (NM_001271896.2); short protein forms A714T, A632T, A584T.
Identifiers: ClinVar variation 424914 (VCV000424914.68), dbSNP rs1064797120, ClinGen allele CA16621575.

ClinVar aggregate classification (germline): Uncertain significance. Review status: criteria provided, single submitter (1 of 4 stars). 3 submissions from 3 submitters: Uncertain significance (1). 2 of the submissions do not count toward it. Last evaluated 2016-10-01.

Conditions:
Combined oxidative phosphorylation defect type 21. Also called: Combined oxidative phosphorylation deficiency 21. Identifiers: Orphanet 420733, MedGen C4706316, MONDO:0014398, OMIM 615918.

Submissions (3):

CeGaT Center for Human Genetics Tuebingen
Classification: Uncertain significance. Last evaluated: 2016-10-01. Review status: criteria provided, single submitter. Criteria: CeGaT Center For Human Genetics Tuebingen Variant Classification Criteria Version 2. Collection method: clinical testing. Allele origin: germline. Affected: yes. Observed: 1 variant allele.

OMIM
Classification: Pathogenic for COMBINED OXIDATIVE PHOSPHORYLATION DEFICIENCY 21. Last evaluated: 2024-04-01. Review status: no assertion criteria provided. Collection method: literature only. Allele origin: germline. Not counted in ClinVar's aggregate classification.

Houlden Lab, UCL Institute of Neurology
Classification: Likely pathogenic for Combined oxidative phosphorylation defect type 21. Review status: no assertion criteria provided. Collection method: research. Allele origin: germline. Affected: yes. Not counted in ClinVar's aggregate classification.
Comment: This variant was identified in a compound heterozygous state with another TARS2 variant (c.387+6T>C) for this condition.

Literature cited by the submitters: PubMed 37454282 (cited by OMIM).